The following is an entry in ClinVar:

ClinVar aggregate classification (germline): Benign (1 of 4 stars; one submission).

Conditions:
Landau-Kleffner syndrome (FESD). Also called: EPILEPSY, FOCAL, WITH SPEECH DISORDER AND WITH OR WITHOUT MENTAL RETARDATION; APHASIA, ACQUIRED, WITH EPILEPSY. Identifiers: Orphanet 1945, Orphanet 725, Orphanet 98818, MedGen C0282512, MONDO:0009509, OMIM 245570.

Allele frequency attached by ClinVar (database versions not stated): 1000 Genomes Project 0.00519; gnomAD 0.00567 and 0.00616; gnomAD exomes 0.00108; 1000 Genomes Project 30x 0.00578; TOPMed 0.00673.
gnomAD v4.1: 930 of 217,998 alleles (0.43%); highest among the groups gnomAD compares: African/African-American, 1.9%; 8 homozygotes.

Submission:

Illumina Laboratory Services, Illumina
Classification: Benign for Landau-Kleffner syndrome. Last evaluated: 2018-01-13. Review status: criteria provided, single submitter. Criteria: ICSL Variant Classification Criteria 13 December 2019. Collection method: clinical testing. Allele origin: germline.
Comment: This variant was observed in the ICSL laboratory as part of a predisposition screen in an ostensibly healthy population. It had not been previously curated by ICSL or reported in the Human Gene Mutation Database (HGMD: prior to June 1st, 2018), and was therefore a candidate for classification through an automated scoring system. Utilizing variant allele frequency, disease prevalence and penetrance estimates, and inheritance mode, an automated score was calculated to assess if this variant is too frequent to cause the disease. Based on the score and internal cut-off values, a variant classified as benign is not then subjected to further curation. The score for this variant resulted in a classification of benign for this disease.

NM_001134407.3(GRIN2A):c.*4036A>G

Gene: GRIN2A (glutamate ionotropic receptor NMDA type subunit 2A; minus strand). Cytogenetic location: 16p13.2.
Variant type: single nucleotide variant.
Coding change: c.*4036A>G on transcript NM_001134407.3 (MANE Select); 4036 bases downstream of the stop codon, A replaced by G.
Molecular consequence: 3 prime UTR variant.
Genome position (GRCh38, 1-based): chr16:9,759,113, T>C on the plus strand (A>G on the coding strand, the complement: GRIN2A is on the minus strand). VCF-style: chr16-9759113-T-C. GRCh37 (hg19) VCF-style: chr16-9852970-T-C.
Other names: c.*4036A>G (NM_000833.5); c.*4242A>G (NM_001134408.2).
Identifiers: ClinVar variation 321545 (VCV000321545.5), dbSNP rs9921182, ClinGen allele CA10638750.